The following is an entry in ClinVar:

NM_000099.4(CST3):c.7G>C (p.Gly3Arg)

Genes: CST3 (cystatin C; minus strand), LOC130065547 (ATAC-STARR-seq lymphoblastoid silent region 12734; plus strand). Cytogenetic location: 20p11.21.
Variant type: single nucleotide variant.
Coding change: c.7G>C on transcript NM_000099.4 (MANE Select); coding-DNA position 7, G replaced by C.
Protein change: p.Gly3Arg; replaces glycine 3 with arginine.
Molecular consequence: missense variant.
Genome position (GRCh38, 1-based): chr20:23,637,856, C>G on the plus strand (G>C on the coding strand, the complement: CST3 is on the minus strand). VCF-style: chr20-23637856-C-G. GRCh37 (hg19) VCF-style: chr20-23618493-C-G.
Other names: c.7G>C, p.Gly3Arg (NM_001288614.2); short protein forms G3R.
Identifiers: ClinVar variation 3616807 (VCV003616807.2).

ClinVar aggregate classification (germline): Uncertain significance (1 of 4 stars; one submission).

Submission:

Labcorp Genetics (formerly Invitae), Labcorp
Classification: Uncertain significance. Last evaluated: 2025-02-02. Review status: criteria provided, single submitter. Criteria: Invitae Variant Classification Sherloc (09022015). Collection method: clinical testing. Allele origin: germline.
Comment: This sequence change replaces glycine, which is neutral and non-polar, with arginine, which is basic and polar, at codon 3 of the CST3 protein (p.Gly3Arg). This variant is not present in population databases (gnomAD no frequency). This variant has not been reported in the literature in individuals affected with CST3-related conditions. An algorithm developed to predict the effect of missense changes on protein structure and function outputs the following: PolyPhen-2: "Not Available". The arginine amino acid residue is found in multiple mammalian species, which suggests that this missense change does not adversely affect protein function. In summary, the available evidence is currently insufficient to determine the role of this variant in disease. Therefore, it has been classified as a Variant of Uncertain Significance.